The following is an entry in ClinVar:

NM_020822.3(KCNT1):c.785G>C (p.Arg262Pro)

Gene: KCNT1 (potassium sodium-activated channel subfamily T member 1; plus strand). Cytogenetic location: 9q34.3.
Variant type: single nucleotide variant.
Coding change: c.785G>C on transcript NM_020822.3 (MANE Select); coding-DNA position 785, G replaced by C.
Protein change: p.Arg262Pro; replaces arginine 262 with proline.
Molecular consequence: missense variant.
Genome position (GRCh38, 1-based): chr9:135,758,439, G>C. VCF-style: chr9-135758439-G-C. GRCh37 (hg19) VCF-style: chr9-138650285-G-C.
Other names: c.641G>C, p.Arg214Pro (NM_001272003.2); short protein forms R214P, R262P.
Identifiers: ClinVar variation 3756577 (VCV003756577.2).

ClinVar aggregate classification (germline): Pathogenic (1 of 4 stars; one submission).

Conditions:
Autosomal dominant nocturnal frontal lobe epilepsy 5. Also called: KCNT1-Related Epilepsy; CILIARY DYSKINESIA, PRIMARY, 28, WITHOUT SITUS INVERSUS; CILIARY DYSKINESIA, PRIMARY, 28, WITH SITUS INVERSUS; Epilepsy, nocturnal frontal lobe, 5. Identifiers: Orphanet 98784, MedGen C3554306, MONDO:0014002, OMIM 615005.
Developmental and epileptic encephalopathy, 14 (DEE14). Also called: Early infantile epileptic encephalopathy 14. Identifiers: Orphanet 293181, MedGen C3554195, MONDO:0013989, OMIM 614959.

Submission:

Labcorp Genetics (formerly Invitae), Labcorp
Classification: Pathogenic for Autosomal dominant nocturnal frontal lobe epilepsy 5; Developmental and epileptic encephalopathy, 14. Last evaluated: 2024-08-31. Review status: criteria provided, single submitter. Criteria: Invitae Variant Classification Sherloc (09022015). Collection method: clinical testing. Allele origin: germline.
Comment: This sequence change replaces arginine, which is basic and polar, with proline, which is neutral and non-polar, at codon 262 of the KCNT1 protein (p.Arg262Pro). This variant is not present in population databases (gnomAD no frequency). This missense change has been observed in individual(s) with clinical features of KCNT1-related conditions (internal data). In at least one individual the variant was observed to be de novo. Invitae Evidence Modeling of protein sequence and biophysical properties (such as structural, functional, and spatial information, amino acid conservation, physicochemical variation, residue mobility, and thermodynamic stability) indicates that this missense variant is expected to disrupt KCNT1 protein function with a positive predictive value of 80%. This variant disrupts the p.Arg262 amino acid residue in KCNT1. Other variant(s) that disrupt this residue have been determined to be pathogenic (PMID: 26122718; internal data). This suggests that this residue is clinically significant, and that variants that disrupt this residue are likely to be disease-causing. For these reasons, this variant has been classified as Pathogenic.

Literature cited by the submitters: PubMed 26122718.